The following is an entry in ClinVar:

NM_020919.4(ALS2):c.2926A>G (p.Ile976Val)

Gene: ALS2 (alsin Rho guanine nucleotide exchange factor ALS2; minus strand). Cytogenetic location: 2q33.1.
Variant type: single nucleotide variant.
Coding change: c.2926A>G on transcript NM_020919.4 (MANE Select); coding-DNA position 2926, A replaced by G.
Protein change: p.Ile976Val; replaces isoleucine 976 with valine.
Molecular consequence: missense variant.
Genome position (GRCh38, 1-based): chr2:201,727,265, T>C on the plus strand (A>G on the coding strand, the complement: ALS2 is on the minus strand). VCF-style: chr2-201727265-T-C. GRCh37 (hg19) VCF-style: chr2-202591988-T-C.
Other names: c.2926A>G, p.Ile976Val (NM_001410975.1); short protein forms I976V.
Identifiers: ClinVar variation 2157840 (VCV002157840.4), dbSNP rs1691240233, ClinGen allele CA350321597.

ClinVar aggregate classification (germline): Uncertain significance (1 of 4 stars; one submission).

Conditions:
Infantile-onset ascending hereditary spastic paralysis (IAHSP). Also called: Infantile-Onset Ascending Hereditary Spastic Paralysis (IAHSP); Autosomal Recessive Juvenile Amyotrophic Lateral Sclerosis. Identifiers: Orphanet 293168, MedGen C2931441, MONDO:0011797, OMIM 607225. Disease mechanism: loss of function.

Allele frequency attached by ClinVar (database versions not stated): gnomAD exomes below 0.00001; gnomAD 0.00001; TOPMed 0.00001.
gnomAD v4.1: 3 of 1,613,578 alleles (0.00019%); highest among the groups gnomAD compares: Admixed American, 0.0033%; no homozygotes.

Submission:

Labcorp Genetics (formerly Invitae), Labcorp
Classification: Uncertain significance for Infantile-onset ascending hereditary spastic paralysis. Last evaluated: 2022-02-17. Review status: criteria provided, single submitter. Criteria: Invitae Variant Classification Sherloc (09022015). Collection method: clinical testing. Allele origin: germline.
Comment: In summary, the available evidence is currently insufficient to determine the role of this variant in disease. Therefore, it has been classified as a Variant of Uncertain Significance. Algorithms developed to predict the effect of sequence changes on RNA splicing suggest that this variant may create or strengthen a splice site. Algorithms developed to predict the effect of missense changes on protein structure and function output the following: SIFT: "Tolerated"; PolyPhen-2: "Benign"; Align-GVGD: "Class C15". The valine amino acid residue is found in multiple mammalian species, which suggests that this missense change does not adversely affect protein function. This variant has not been reported in the literature in individuals affected with ALS2-related conditions. This variant is not present in population databases (gnomAD no frequency). This sequence change replaces isoleucine, which is neutral and non-polar, with valine, which is neutral and non-polar, at codon 976 of the ALS2 protein (p.Ile976Val).